The following is an entry in ClinVar:

NM_000521.4(HEXB):c.283del (p.Glu95fs)

Gene: HEXB (hexosaminidase subunit beta; plus strand). Cytogenetic location: 5q13.3.
Variant type: Deletion.
Coding change: c.283del on transcript NM_000521.4 (MANE Select); coding-DNA position 283, one base deleted (G; older notation c.283delG).
Protein change: p.Glu95fs; shifts the reading frame from glutamic acid 95.
Molecular consequence: frameshift variant. On other transcripts: intron variant (1).
Genome position (GRCh38, 1-based): chr5:74,685,543, G deleted; the last of 2 consecutive G bases (chr5:74,685,542-74,685,543); deleting either gives the same sequence. VCF-style (leftmost placement, unchanged base first): chr5-74685541-TG-T. GRCh37 (hg19) VCF-style: chr5-73981366-TG-T.
Other names: c.-376-3785del (NM_001292004.2); short protein forms E95fs.
Identifiers: ClinVar variation 965677 (VCV000965677.8), dbSNP rs1748845774, ClinGen allele CA1139658889.
Genomic context (GRCh38, chr5:74,685,541, plus strand): 5'-CGGAGAACTTCTACATCAGCCACAGCCCCAATTCCACGGCGGGCCCCTCCTGCACCCTGC[TG>T]GAGGAAGCGTTTCGACGGTGAGCGCTCCCGGCCCGGCCGGGAGTTGTCCTGGGGGAGGGG-3'

ClinVar aggregate classification (germline): Pathogenic. Review status: criteria provided, multiple submitters, no conflicts (2 of 4 stars). 2 submissions from 2 submitters: Pathogenic (2). Last evaluated 2026-07-15.

Conditions:
Sandhoff disease. Also called: GM2-GANGLIOSIDOSIS, TYPE II; HEXOSAMINIDASES A AND B DEFICIENCY; Beta-hexosaminidase-beta-subunit deficiency; GM2 gangliosidosis, type 2; Total hexosaminidase deficiency; Sandhoff-Jatzkewitz-Pilz disease. Identifiers: Orphanet 796, MedGen C0036161, MONDO:0010006, OMIM 268800.

Submissions (2):

Myriad Genetics, Inc.
Classification: Pathogenic for Sandhoff disease. Last evaluated: 2026-07-15. Review status: criteria provided, single submitter. Criteria: Myriad Autosomal Dominant, Autosomal Recessive and X-Linked Classification Criteria (2023). Collection method: clinical testing. Allele origin: unknown.
Comment: NM_000521.3(HEXB):c.283delG(E95Rfs*59) is a frameshift variant classified as pathogenic in the context of Sandhoff disease. E95Rfs*59 has not been observed in cases with relevant disease. Relevant functional assessments of this variant are not available in the literature. E95Rfs*59 has not been observed in referenced population frequency databases. In summary, NM_000521.3(HEXB):c.283delG(E95Rfs*59) is a frameshift variant in a gene where loss of function is a known mechanism of disease and is predicted to disrupt protein function. Please note: this variant was assessed in the context of healthy population screening.

Labcorp Genetics (formerly Invitae), Labcorp
Classification: Pathogenic for Sandhoff disease. Last evaluated: 2021-06-30. Review status: criteria provided, single submitter. Criteria: Invitae Variant Classification Sherloc (09022015). Collection method: clinical testing. Allele origin: germline.
Comment: This sequence change creates a premature translational stop signal (p.Glu95Argfs*59) in the HEXB gene. It is expected to result in an absent or disrupted protein product. Loss-of-function variants in HEXB are known to be pathogenic (PMID: 7550345, 18758829). This variant is not present in population databases (ExAC no frequency). This variant has not been reported in the literature in individuals affected with HEXB-related conditions. ClinVar contains an entry for this variant (Variation ID: 965677). For these reasons, this variant has been classified as Pathogenic.

Literature cited by the submitters: PubMed 7550345 (cited by Labcorp Genetics (formerly Invitae), Labcorp); PubMed 18758829 (cited by Labcorp Genetics (formerly Invitae), Labcorp).